The following is an entry in ClinVar:

NM_020780.2(DISP3):c.8C>T (p.Thr3Met)

Gene: DISP3 (dispatched RND transporter family member 3; plus strand). Cytogenetic location: 1p36.22.
Variant type: single nucleotide variant.
Coding change: c.8C>T on transcript NM_020780.2 (MANE Select); coding-DNA position 8, C replaced by T.
Protein change: p.Thr3Met; replaces threonine 3 with methionine.
Molecular consequence: missense variant.
Genome position (GRCh38, 1-based): chr1:11,501,000, C>T. VCF-style: chr1-11501000-C-T. GRCh37 (hg19) VCF-style: chr1-11561057-C-T.
Other names: short protein forms T3M.
Identifiers: ClinVar variation 3052562 (VCV003052562.2), dbSNP rs201953977, ClinGen allele CA591312.

ClinVar aggregate classification (germline): Benign (0 of 4 stars; one submission).

Conditions:
DISP3-related disorder. Also called: DISP3-related condition.

Allele frequency attached by ClinVar (database versions not stated): gnomAD 0.00019; gnomAD exomes 0.00020; TOPMed 0.00020; ESP Exome Variant Server 0.00024; ExAC 0.00037.
gnomAD v4.1: 340 of 1,613,742 alleles (0.021%); highest among the groups gnomAD compares: Non-Finnish European, 0.0056%; 1 homozygote.

Submission:

PreventionGenetics, part of Exact Sciences
Classification: Benign for DISP3-related condition. Last evaluated: 2019-09-05. Review status: no assertion criteria provided. Collection method: clinical testing. Allele origin: germline.
Comment: This variant is classified as benign based on ACMG/AMP sequence variant interpretation guidelines (Richards et al. 2015 PMID: 25741868, with internal and published modifications).